The following is an entry in ClinVar:

NM_004750.5(CRLF1):c.265dup (p.Arg89fs)

Gene: CRLF1 (cytokine receptor like factor 1; minus strand). Cytogenetic location: 19p13.11.
Variant type: Duplication.
Coding change: c.265dup on transcript NM_004750.5 (MANE Select); coding-DNA position 265, one base duplicated (C; older notation c.265dupC).
Protein change: p.Arg89fs; shifts the reading frame from arginine 89.
Molecular consequence: frameshift variant.
Genome position (GRCh38, 1-based): chr19:18,599,697, G duplicated on the plus strand (C on the coding strand, the reverse complement: CRLF1 is on the minus strand); the first of 3 consecutive G bases (chr19:18,599,697-18,599,699); duplicating any one gives the same sequence. VCF-style (leftmost placement, unchanged base first): chr19-18599696-C-CG. GRCh37 (hg19) VCF-style: chr19-18710506-C-CG.
Other names: short protein forms R89fs.
Identifiers: ClinVar variation 5016481 (VCV005016481.1).

ClinVar aggregate classification (germline): Pathogenic (1 of 4 stars; one submission).

Conditions:
Fetal anomalies with a likely genetic cause.

Submission:

Genetics Laboratory, Great Ormond Street Hospital NHS Foundation Trust, North Thames Genomic Laboratory Hub
Classification: Pathogenic for Fetal anomalies with a likely genetic cause. Last evaluated: 2026-08-09. Review status: criteria provided, single submitter. Criteria: ACGS Best Practice Guidelines for Variant Classification in Rare Disease 2024 v1.2. Collection method: clinical testing. Allele origin: germline. Affected: yes.
Comment: PM2_moderate, PVS1_very-strong